The following is an entry in ClinVar:

NM_000293.3(PHKB):c.1147A>G (p.Lys383Glu)

Gene: PHKB (phosphorylase kinase regulatory subunit beta; plus strand). Cytogenetic location: 16q12.1.
Variant type: single nucleotide variant.
Coding change: c.1147A>G on transcript NM_000293.3 (MANE Select); coding-DNA position 1147, A replaced by G.
Protein change: p.Lys383Glu; replaces lysine 383 with glutamic acid.
Molecular consequence: missense variant.
Genome position (GRCh38, 1-based): chr16:47,594,157, A>G. VCF-style: chr16-47594157-A-G. GRCh37 (hg19) VCF-style: chr16-47628068-A-G.
Other names: c.1126A>G, p.Lys376Glu (NM_001031835.3); c.1147A>G, p.Lys383Glu (NM_001363837.1); short protein forms K376E, K383E.
Identifiers: ClinVar variation 1303043 (VCV001303043.2), dbSNP rs148556721, ClinGen allele CA8040718.
Genomic context (GRCh38, chr16:47,594,157, plus strand): 5'-TAAGCTCAGCTGCTATTGGATTTTATATTTTATATTTTAGGAGTTTTTAGAGGCAATCCT[A>G]AGCAAGTACAGGAATATCAGGATCTTTTGACTCCAGTACTTCATCATACCACAGAAGGTA-3'
Protein context (NP_000284.1, residues 373-393): MIDGVFRGNP[Lys383Glu]QVQEYQDLLT

ClinVar aggregate classification (germline): Uncertain significance (1 of 4 stars; one submission).

Allele frequency attached by ClinVar (database versions not stated): gnomAD 0.00001; TOPMed 0.00001; ESP Exome Variant Server 0.00008.
gnomAD v4.1: 13 of 1,559,372 alleles (0.00083%); highest among the groups gnomAD compares: Non-Finnish European, 0.00097%; no homozygotes.

Submission:

GeneDx
Classification: Uncertain significance. Last evaluated: 2019-06-21. Review status: criteria provided, single submitter. Criteria: GeneDx Variant Classification Process June 2021. Collection method: clinical testing. Allele origin: germline. Affected: yes.
Comment: Not observed at a significant frequency in large population cohorts (Lek et al., 2016); In silico analysis, which includes protein predictors and evolutionary conservation, supports that this variant does not alter protein structure/function; Has not been previously published as pathogenic or benign to our knowledge